The following is an entry in ClinVar:

ClinVar aggregate classification (germline): Uncertain significance (0 of 4 stars; one submission).

Conditions:
ALMS1-related disorder. Also called: ALMS1-related condition.

Submission:

PreventionGenetics, part of Exact Sciences
Classification: Uncertain significance for ALMS1-related condition. Last evaluated: 2024-08-07. Review status: no assertion criteria provided. Collection method: clinical testing. Allele origin: germline.
Comment: The ALMS1 c.10137G>C variant is predicted to result in the amino acid substitution p.Glu3379Asp. To our knowledge, this variant has not been reported in the literature or in a large population database, indicating this variant is rare. At this time, the clinical significance of this variant is uncertain due to the absence of conclusive functional and genetic evidence.

NM_001378454.1(ALMS1):c.10134G>C (p.Gln3378His)

Gene: ALMS1 (ALMS1 centrosome and basal body associated protein; plus strand). Cytogenetic location: 2p13.1.
Variant type: single nucleotide variant.
Coding change: c.10134G>C on transcript NM_001378454.1 (MANE Select); coding-DNA position 10134, G replaced by C.
Protein change: p.Gln3378His; replaces glutamine 3378 with histidine.
Molecular consequence: missense variant.
Genome position (GRCh38, 1-based): chr2:73,557,275, G>C. VCF-style: chr2-73557275-G-C. GRCh37 (hg19) VCF-style: chr2-73784402-G-C.
Other names: c.10137G>C, p.Gln3379His (NM_015120.4); short protein forms Q3378H, Q3379H.
Identifiers: ClinVar variation 3356515 (VCV003356515.1).